The following is an entry in ClinVar:

NM_001322934.2(NFKB2):c.1504A>G (p.Ser502Gly)

Gene: NFKB2 (nuclear factor kappa B subunit 2; plus strand). Cytogenetic location: 10q24.32.
Variant type: single nucleotide variant.
Coding change: c.1504A>G on transcript NM_001322934.2 (MANE Select); coding-DNA position 1504, A replaced by G.
Protein change: p.Ser502Gly; replaces serine 502 with glycine.
Molecular consequence: missense variant.
Genome position (GRCh38, 1-based): chr10:102,400,114, A>G. VCF-style: chr10-102400114-A-G. GRCh37 (hg19) VCF-style: chr10-104159871-A-G.
Other names: c.1504A>G, p.Ser502Gly (NM_001077494.3, NM_001261403.3, NM_001288724.1 and 1 more transcripts); c.1378A>G, p.Ser460Gly (NM_001322935.1); short protein forms S460G, S502G.
Identifiers: ClinVar variation 3676256 (VCV003676256.2).

ClinVar aggregate classification (germline): Uncertain significance (1 of 4 stars; one submission).

Conditions:
Immunodeficiency, common variable, 10. Also called: DEFICIT IN ANTERIOR PITUITARY FUNCTION AND VARIABLE IMMUNODEFICIENCY; IMMUNODEFICIENCY, COMMON VARIABLE, WITH CENTRAL ADRENAL INSUFFICIENCY. Identifiers: MedGen C3809991, MONDO:0014260, OMIM 615577.

gnomAD v4.1: 3 of 1,613,966 alleles (0.00019%); highest among the groups gnomAD compares: Non-Finnish European, 0.00025%; no homozygotes.

Submission:

Labcorp Genetics (formerly Invitae), Labcorp
Classification: Uncertain significance for Immunodeficiency, common variable, 10. Last evaluated: 2025-04-07. Review status: criteria provided, single submitter. Criteria: Invitae Variant Classification Sherloc (09022015). Collection method: clinical testing. Allele origin: germline.
Comment: This sequence change replaces serine, which is neutral and polar, with glycine, which is neutral and non-polar, at codon 502 of the NFKB2 protein (p.Ser502Gly). This variant is present in population databases (no rsID available, gnomAD 0.007%). This variant has not been reported in the literature in individuals affected with NFKB2-related conditions. ClinVar contains an entry for this variant (Variation ID: 3676256). An algorithm developed to predict the effect of missense changes on protein structure and function outputs the following: PolyPhen-2: "Benign". The glycine amino acid residue is found in multiple mammalian species, which suggests that this missense change does not adversely affect protein function. In summary, the available evidence is currently insufficient to determine the role of this variant in disease. Therefore, it has been classified as a Variant of Uncertain Significance.